The following is an entry in ClinVar:

ClinVar aggregate classification (germline): Pathogenic (1 of 4 stars; one submission).

Conditions:
Polycystic kidney disease 2 (PKD2). Also called: Polycystic Kidney Disease 2, Autosomal Dominant; POLYCYSTIC KIDNEY DISEASE, ADULT, TYPE II; POLYCYSTIC KIDNEY DISEASE 2 WITH OR WITHOUT POLYCYSTIC LIVER DISEASE. Identifiers: MedGen C2751306, MONDO:0013131, OMIM 613095.

Submission:

Victorian Clinical Genetics Services, Murdoch Childrens Research Institute
Classification: Pathogenic for Polycystic kidney disease 2. Last evaluated: 2023-07-17. Review status: criteria provided, single submitter. Criteria: ACMG Guidelines, 2015. Collection method: clinical testing. Allele origin: germline. Inheritance: Autosomal dominant inheritance. Affected: yes.
Comment: Based on the classification scheme VCGS_Germline_v1.3.4, this variant is classified as Pathogenic. Following criteria are met: 0102 - Loss of function is a known mechanism of disease in this gene and is associated with polycystic kidney disease 2 (MIM#613095). (I) 0107 - This gene is associated with autosomal dominant disease. (I) 0201 - Variant is predicted to cause nonsense-mediated decay (NMD) and loss of protein (premature termination codon is located at least 54 nucleotides upstream of the final exon-exon junction). (SP) 0251 - This variant is heterozygous. (I) 0301 - Variant is absent from gnomAD (both v2 and v3). (SP) 0701 - Other NMD-predicted variants comparable to the one identified in this case have very strong previous evidence for pathogenicity. These variants have been reported many times as pathogenic (DECIPHER). (SP) 0807 - This variant has no previous evidence of pathogenicity. (I) 0905 - No published segregation evidence has been identified for this variant. (I) 1007 - No published functional evidence has been identified for this variant. (I) 1208 - Inheritance information for this variant is not currently available in this individual. (I) Legend: (SP) - Supporting pathogenic, (I) - Information, (SB) - Supporting benign

NM_000297.4(PKD2):c.1376del (p.Pro459fs)

Gene: PKD2 (polycystin 2, transient receptor potential cation channel; plus strand). Cytogenetic location: 4q22.1.
Variant type: Deletion.
Coding change: c.1376del on transcript NM_000297.4 (MANE Select); coding-DNA position 1376, one base deleted (C; older notation c.1376delC).
Protein change: p.Pro459fs; shifts the reading frame from proline 459.
Molecular consequence: frameshift variant. On other transcripts: non-coding transcript variant (1).
Genome position (GRCh38, 1-based): chr4:88,046,698, C deleted; the last of 2 consecutive C bases (chr4:88,046,697-88,046,698); deleting either gives the same sequence. VCF-style (leftmost placement, unchanged base first): chr4-88046696-GC-G. GRCh37 (hg19) VCF-style: chr4-88967848-GC-G.
Other names: short protein forms P459fs.
Identifiers: ClinVar variation 3254864 (VCV003254864.1), dbSNP rs2475925118.